The following is an entry in ClinVar:

ClinVar aggregate classification (germline): Uncertain significance. Review status: criteria provided, multiple submitters, no conflicts (2 of 4 stars). 2 submissions from 2 submitters: Uncertain significance (2). Last evaluated 2026-01-21.

Conditions:
Inborn genetic diseases. Identifiers: MedGen C0950123, MeSH D030342.

gnomAD v4.1: 2 of 1,614,226 alleles (0.00012%); highest among the groups gnomAD compares: African/African-American, 0.0027%; no homozygotes.

Submissions (2):

Ambry Genetics
Classification: Uncertain significance for Inborn genetic diseases. Last evaluated: 2026-01-21. Review status: criteria provided, single submitter. Criteria: Ambry Variant Classification Scheme 2023. Collection method: clinical testing. Allele origin: germline.

Labcorp Genetics (formerly Invitae), Labcorp
Classification: Uncertain significance. Last evaluated: 2025-06-09. Review status: criteria provided, single submitter. Criteria: Invitae Variant Classification Sherloc (09022015). Collection method: clinical testing. Allele origin: germline.
Comment: This sequence change replaces lysine, which is basic and polar, with arginine, which is basic and polar, at codon 522 of the PPM1D protein (p.Lys522Arg). This variant is not present in population databases (gnomAD no frequency). This variant has not been reported in the literature in individuals affected with PPM1D-related conditions. ClinVar contains an entry for this variant (Variation ID: 3630565). An algorithm developed to predict the effect of missense changes on protein structure and function (PolyPhen-2) suggests that this variant is likely to be tolerated. In summary, the available evidence is currently insufficient to determine the role of this variant in disease. Therefore, it has been classified as a Variant of Uncertain Significance.

NM_003620.4(PPM1D):c.1565A>G (p.Lys522Arg)

Gene: PPM1D (protein phosphatase, Mg2+/Mn2+ dependent 1D; plus strand). Cytogenetic location: 17q23.2.
Variant type: single nucleotide variant.
Coding change: c.1565A>G on transcript NM_003620.4 (MANE Select); coding-DNA position 1565, A replaced by G.
Protein change: p.Lys522Arg; replaces lysine 522 with arginine.
Molecular consequence: missense variant.
Genome position (GRCh38, 1-based): chr17:60,663,299, A>G. VCF-style: chr17-60663299-A-G. GRCh37 (hg19) VCF-style: chr17-58740660-A-G.
Other names: short protein forms K522R.
Identifiers: ClinVar variation 3630565 (VCV003630565.3).